The following is an entry in ClinVar:

NM_003105.6(SORL1):c.4375G>A (p.Val1459Ile)

Genes: SORL1 (sortilin related receptor 1; plus strand), LOC126861368 (P300/CBP strongly-dependent group 1 enhancer GRCh37_chr11:121465964-121467163; plus strand). Cytogenetic location: 11q24.1.
Variant type: single nucleotide variant.
Coding change: c.4375G>A on transcript NM_003105.6 (MANE Select); coding-DNA position 4375, G replaced by A.
Protein change: p.Val1459Ile; replaces valine 1459 with isoleucine.
Molecular consequence: missense variant.
Genome position (GRCh38, 1-based): chr11:121,595,628, G>A. VCF-style: chr11-121595628-G-A. GRCh37 (hg19) VCF-style: chr11-121466337-G-A.
Other names: short protein forms V1459I.
Identifiers: ClinVar variation 727375 (VCV000727375.14), dbSNP rs140384365, ClinGen allele CA6329611.
Genomic context (GRCh38, chr11:121,595,628, plus strand): 5'-TATTGGCCAGCTCCCTCAATATTAAAAAGTAAATTTTAAAAATCTTTTATTTTAGCAAAC[G>A]TCACTGCTGCCTCCACTCCCACCCAACTTGGGCGATGTGACCGATTTGAGTTCGAATGCC-3'
Protein context (NP_003096.2, residues 1449-1469): DEEACPLLAN[Val1459Ile]TAASTPTQLG

ClinVar aggregate classification (germline): Conflicting classifications of pathogenicity. Review status: criteria provided, conflicting classifications (1 of 4 stars). 5 submissions from 5 submitters: Uncertain significance (1); Likely benign (2). 2 of the submissions do not count toward it. Last evaluated 2025-10-02.

Conditions:
SORL1-related disorder. Also called: SORL1-related condition.

Allele frequency attached by ClinVar (database versions not stated): 1000 Genomes Project 30x 0.00016; 1000 Genomes Project 0.00020; gnomAD exomes 0.00036 and 0.00066; gnomAD 0.00040 and 0.00043; TOPMed 0.00040; ESP Exome Variant Server 0.00046; ExAC 0.00075.
gnomAD v4.1: 987 of 1,595,390 alleles (0.062%); highest among the groups gnomAD compares: Non-Finnish European, 0.078%; 1 homozygote.

Submissions (5):

Labcorp Genetics (formerly Invitae), Labcorp
Classification: Likely benign. Last evaluated: 2025-10-02. Review status: criteria provided, single submitter. Criteria: Invitae Variant Classification Sherloc (09022015). Collection method: clinical testing. Allele origin: germline.

PreventionGenetics, part of Exact Sciences
Classification: Uncertain significance for SORL1-related condition. Last evaluated: 2025-02-12. Review status: criteria provided, single submitter. Criteria: ACMG Guidelines, 2015. Collection method: clinical testing. Allele origin: germline.
Comment: The SORL1 c.4375G>A variant is predicted to result in the amino acid substitution p.Val1459Ile. To our knowledge, this variant has not been reported in the literature. This variant is reported in 0.064% of alleles in individuals of European (Non-Finnish) descent in gnomAD. At this time, the clinical significance of this variant is uncertain due to the absence of conclusive functional and genetic evidence.

Blueprint Genetics
Classification: Likely benign. Last evaluated: 2024-01-15. Review status: criteria provided, single submitter. Criteria: ACMG Guidelines, 2015. Collection method: clinical testing. Allele origin: germline.

Clinical Genetics DNA and cytogenetics Diagnostics Lab, Erasmus MC, Erasmus Medical Center
Classification: Likely benign. Review status: no assertion criteria provided. Collection method: clinical testing. Allele origin: germline. Affected: yes. Study: VKGL Data-share Consensus. Not counted in ClinVar's aggregate classification.

Genome Diagnostics Laboratory, Amsterdam University Medical Center
Classification: Likely benign. Review status: no assertion criteria provided. Collection method: clinical testing. Allele origin: germline. Affected: yes. Study: VKGL Data-share Consensus. Not counted in ClinVar's aggregate classification.